The following is an entry in ClinVar:

ClinVar aggregate classification (germline): Uncertain significance (1 of 4 stars; one submission).

Submission:

Women's Health and Genetics/Laboratory Corporation of America, LabCorp
Classification: Uncertain significance. Last evaluated: 2025-05-12. Review status: criteria provided, single submitter. Criteria: LabCorp Variant Classification Summary - May 2015. Collection method: clinical testing. Allele origin: germline.
Comment: Variant summary: The variant involves the duplication of exons 15-17 in the OXR1 gene. A presumed nomenclature of c.(2316+1_2317-1)_(*1754_?)dup has been designated for the purposes of this classification. The exact breakpoint at the 3' end of this variant is unknown, therefore this duplication may extend downstream of the annotated region of the gene. As it duplicates the termination codon, its effect on the encoded protein is unknown. The variant was absent in 21694 control chromosomes (gnomAD, structural variants dataset). The available data on variant occurrences in the general population are insufficient to allow any conclusion about variant significance. To our knowledge, no occurrence of c.(2316+1_2317-1)_(*1754_?)dup in individuals affected with Congenital Cerebellar Hypoplasia and no experimental evidence demonstrating its impact on protein function have been reported. No submitters have cited clinical-significance assessments for this variant to ClinVar. Based on the evidence outlined above, the variant was classified as uncertain significance.

NC_000008.10:g.(107752724_107754449)_(107764923_?)dup

Gene: OXR1 (oxidation resistance 1; plus strand). Cytogenetic location: 8q23.1.
Variant type: Duplication.
Identifiers: ClinVar variation 3902294 (VCV003902294.1).